The following is an entry in ClinVar:

NM_133379.5(TTN):c.13589T>G (p.Ile4530Arg)

Gene: TTN (titin; minus strand). Cytogenetic location: 2q31.2.
Variant type: single nucleotide variant.
Coding change: c.13589T>G on transcript NM_133379.5; coding-DNA position 13589, T replaced by G.
Protein change: p.Ile4530Arg; replaces isoleucine 4530 with arginine.
Molecular consequence: missense variant. On other transcripts: intron variant (6).
Genome position (GRCh38, 1-based): chr2:178,748,811, A>C on the plus strand (T>G on the coding strand, the complement: TTN is on the minus strand). VCF-style: chr2-178748811-A-C. GRCh37 (hg19) VCF-style: chr2-179613538-A-C.
Other names: c.10222+4313T>G (NM_003319.4); c.10798+4313T>G (NM_133437.4); c.10597+4313T>G (NM_133432.3); c.10360+4313T>G (NM_133378.4, NM_001256850.1); c.11311+4313T>G (NM_001267550.2); c.13589T>G (NM_133379.4); short protein forms I4530R.
Identifiers: ClinVar variation 178874 (VCV000178874.33), dbSNP rs200066725, ClinGen allele CA183203.

ClinVar aggregate classification (germline): Conflicting classifications of pathogenicity. Review status: criteria provided, conflicting classifications (1 of 4 stars). 5 submissions from 5 submitters: Uncertain significance (1); Likely benign (4). Last evaluated 2026-07-01.

Allele frequency attached by ClinVar (database versions not stated): gnomAD 0.00009 and 0.00010; TOPMed 0.00009; ExAC 0.00010; gnomAD exomes 0.00010.
gnomAD v4.1: 187 of 1,611,596 alleles (0.012%); highest among the groups gnomAD compares: Middle Eastern, 0.13%; no homozygotes.

Submissions (5):

CeGaT Center for Human Genetics Tuebingen
Classification: Likely benign. Last evaluated: 2026-07-01. Review status: criteria provided, single submitter. Criteria: CeGaT Center For Human Genetics Tuebingen Variant Classification Criteria Version 2. Collection method: clinical testing. Allele origin: germline. Affected: yes. Observed: 3 variant alleles.
Comment: TTN: BP4

Molecular Diagnostic Laboratory for Inherited Cardiovascular Disease, Montreal Heart Institute
Classification: Likely benign. Last evaluated: 2025-07-24. Review status: criteria provided, single submitter. Criteria: ACMG Guidelines, 2015. Collection method: clinical testing. Allele origin: germline. Affected: no.
Comment: BP1

Blueprint Genetics
Classification: Likely benign. Last evaluated: 2024-11-13. Review status: criteria provided, single submitter. Criteria: ACMG Guidelines, 2015. Collection method: clinical testing. Allele origin: germline.

GeneDx
Classification: Likely benign. Last evaluated: 2018-12-31. Review status: criteria provided, single submitter. Criteria: GeneDx Variant Classification Process June 2021. Collection method: clinical testing. Allele origin: germline. Affected: yes.

Laboratory for Molecular Medicine, Mass General Brigham Personalized Medicine
Classification: Uncertain significance. Last evaluated: 2013-03-27. Review status: criteria provided, single submitter. Criteria: LMM Criteria. Collection method: clinical testing. Allele origin: germline. Observed: 1 variant allele.
Comment: The Ile4530Arg variant in TTN has not been reported in the literature nor previo usly identified by our laboratory. This variant has also not been identified in large and broad European American and African American populations by the NHLBI Exome Sequencing Project (dbSNP rs200066725), though it may be common in other populations. Computational analyses are limit ed or unavailable for this variant. Additional information is needed to fully a ssess the clinical significance of the Ile4530Arg variant.